The following is an entry in ClinVar:

NM_198253.3(TERT):c.2002G>A (p.Glu668Lys)

Gene: TERT (telomerase reverse transcriptase; minus strand). Cytogenetic location: 5p15.33.
Variant type: single nucleotide variant.
Coding change: c.2002G>A on transcript NM_198253.3 (MANE Select); coding-DNA position 2002, G replaced by A.
Protein change: p.Glu668Lys; replaces glutamic acid 668 with lysine.
Molecular consequence: missense variant. On other transcripts: non-coding transcript variant (2).
Genome position (GRCh38, 1-based): chr5:1,279,419, C>T on the plus strand (G>A on the coding strand, the complement: TERT is on the minus strand). VCF-style: chr5-1279419-C-T. GRCh37 (hg19) VCF-style: chr5-1279534-C-T.
Other names: p.Glu668Lys; c.2002G>A (NM_198253.2); c.2002G>A, p.Glu668Lys (NM_001193376.3); short protein forms E668K.
Identifiers: ClinVar variation 1463067 (VCV001463067.15), dbSNP rs1368095577, ClinGen allele CA359080722.

ClinVar aggregate classification (germline): Uncertain significance. Review status: criteria provided, multiple submitters, no conflicts (2 of 4 stars). 4 submissions from 4 submitters: Uncertain significance (4). Last evaluated 2025-11-01.

Conditions:
Dyskeratosis congenita, autosomal dominant 2. Identifiers: MedGen C3151443, MONDO:0013521, OMIM 613989.
Idiopathic Pulmonary Fibrosis. Also called: Idiopathic fibrosing alveolitis, chronic form; idiopathic fibrosing alveolitis. Identifiers: Orphanet 2032, MedGen C1800706, MeSH D054990, MONDO:0800504.

Allele frequency attached by ClinVar (database versions not stated): gnomAD exomes below 0.00001 and 0.00001.
gnomAD v4.1: 1 of 1,551,674 alleles (0.000064%); highest among the groups gnomAD compares: Admixed American, 0.0019%; no homozygotes.

Submissions (4):

CeGaT Center for Human Genetics Tuebingen
Classification: Uncertain significance. Last evaluated: 2025-11-01. Review status: criteria provided, single submitter. Criteria: CeGaT Center For Human Genetics Tuebingen Variant Classification Criteria Version 2. Collection method: clinical testing. Allele origin: germline. Affected: yes. Observed: 1 variant allele.
Comment: TERT: PM2, PM5, PM1:Supporting

Mayo Clinic Laboratories, Mayo Clinic
Classification: Uncertain significance. Last evaluated: 2022-06-30. Review status: criteria provided, single submitter. Criteria: ACMG Guidelines, 2015. Collection method: clinical testing. Allele origin: germline. Observed: 4 variant alleles.
Comment: PM2_supporting

Labcorp Genetics (formerly Invitae), Labcorp
Classification: Uncertain significance for Dyskeratosis congenita, autosomal dominant 2; Idiopathic Pulmonary Fibrosis. Last evaluated: 2021-03-18. Review status: criteria provided, single submitter. Criteria: Invitae Variant Classification Sherloc (09022015). Collection method: clinical testing. Allele origin: germline.
Comment: This sequence change replaces glutamic acid with lysine at codon 668 of the TERT protein (p.Glu668Lys). The glutamic acid residue is moderately conserved and there is a small physicochemical difference between glutamic acid and lysine. In summary, the available evidence is currently insufficient to determine the role of this variant in disease. Therefore, it has been classified as a Variant of Uncertain Significance. Advanced modeling of protein sequence and biophysical properties (such as structural, functional, and spatial information, amino acid conservation, physicochemical variation, residue mobility, and thermodynamic stability) performed at Invitae indicates that this missense variant is expected to disrupt TERT protein function. This variant has not been reported in the literature in individuals with TERT-related conditions. The frequency data for this variant in the population databases is considered unreliable, as metrics indicate insufficient coverage at this position in the ExAC database.

Blueprint Genetics
Classification: Uncertain significance. Last evaluated: 2018-12-28. Review status: criteria provided, single submitter. Criteria: ACMG Guidelines, 2015. Collection method: clinical testing. Allele origin: germline.

Literature cited by the submitters: PubMed 20044353 (cited by Mayo Clinic Laboratories, Mayo Clinic); PubMed 23000435 (cited by Mayo Clinic Laboratories, Mayo Clinic).